The following is an entry in ClinVar:

NM_001042492.3(NF1):c.7837C>G (p.Pro2613Ala)

Gene: NF1 (neurofibromin 1; plus strand). Cytogenetic location: 17q11.2.
Variant type: single nucleotide variant.
Coding change: c.7837C>G on transcript NM_001042492.3 (MANE Select); coding-DNA position 7837, C replaced by G.
Protein change: p.Pro2613Ala; replaces proline 2613 with alanine.
Molecular consequence: missense variant.
Genome position (GRCh38, 1-based): chr17:31,357,058, C>G. VCF-style: chr17-31357058-C-G. GRCh37 (hg19) VCF-style: chr17-29684076-C-G.
Other names: c.7774C>G, p.Pro2592Ala (NM_000267.4); short protein forms P2592A, P2613A.
Identifiers: ClinVar variation 134890 (VCV000134890.1), dbSNP rs138839077, ClinGen allele CA161075.

ClinVar aggregate classification (germline): not provided (0 of 4 stars; one submission).

Submission:

ITMI
No classification provided. Condition: AllHighlyPenetrant. Last evaluated: 2013-09-19. Review status: no classification provided. Collection method: reference population. Allele origin: germline.
Comment: Please see associated publication for description of ethnicities

Literature cited by the submitters: PubMed 24728327.